The following is an entry in ClinVar:

ClinVar aggregate classification (germline): Pathogenic (1 of 4 stars; one submission).

Submission:

Labcorp Genetics (formerly Invitae), Labcorp
Classification: Pathogenic. Last evaluated: 2024-08-28. Review status: criteria provided, single submitter. Criteria: Invitae Variant Classification Sherloc (09022015). Collection method: clinical testing. Allele origin: germline.
Comment: This sequence change creates a premature translational stop signal (p.Lys269Glnfs*3) in the PAFAH1B1 gene. It is expected to result in an absent or disrupted protein product. Loss-of-function variants in PAFAH1B1 are known to be pathogenic (PMID: 1671808, 11115846, 14581661). This variant is not present in population databases (gnomAD no frequency). This variant has not been reported in the literature in individuals affected with PAFAH1B1-related conditions. Algorithms developed to predict the effect of sequence changes on RNA splicing suggest that this variant may disrupt the consensus splice site. For these reasons, this variant has been classified as Pathogenic.

Literature cited by the submitters: PubMed 1671808; PubMed 11115846; PubMed 14581661.

NM_000430.4(PAFAH1B1):c.804dup (p.Lys269fs)

Gene: PAFAH1B1 (platelet activating factor acetylhydrolase 1b regulatory subunit 1; plus strand). Cytogenetic location: 17p13.3.
Variant type: Duplication.
Coding change: c.804dup on transcript NM_000430.4 (MANE Select); coding-DNA position 804, one base duplicated (C; older notation c.804dupC).
Protein change: p.Lys269fs; shifts the reading frame from lysine 269.
Molecular consequence: frameshift variant.
Genome position (GRCh38, 1-based): chr17:2,674,192, C duplicated. VCF-style (leftmost placement, unchanged base first): chr17-2674191-G-GC. GRCh37 (hg19) VCF-style: chr17-2577485-G-GC.
Other names: short protein forms K269fs.
Identifiers: ClinVar variation 3663707 (VCV003663707.2).